The following is an entry in ClinVar:

ClinVar aggregate classification (germline): Uncertain significance. Review status: criteria provided, multiple submitters, no conflicts (2 of 4 stars). 4 submissions from 4 submitters: Uncertain significance (3). 1 of the submissions does not count toward it. Last evaluated 2023-05-01.

Conditions:
RAD50-related disorder. Also called: RAD50-related condition.
Hereditary cancer-predisposing syndrome. Also called: Neoplastic Syndromes, Hereditary; Tumor predisposition; Hereditary Cancer Syndrome; Hereditary neoplastic syndrome. Identifiers: Orphanet 140162, MedGen C0027672, MeSH D009386, MONDO:0015356.

Allele frequency attached by ClinVar (database versions not stated): gnomAD exomes below 0.00001.
gnomAD v4.1: 1 of 1,611,660 alleles (0.000062%); highest among the groups gnomAD compares: Non-Finnish European, 0.000085%; no homozygotes.

Submissions (4):

Labcorp Genetics (formerly Invitae), Labcorp
Classification: Uncertain significance for Hereditary cancer-predisposing syndrome. Last evaluated: 2023-05-01. Review status: criteria provided, single submitter. Criteria: Invitae Variant Classification Sherloc (09022015). Collection method: clinical testing. Allele origin: germline.
Comment: In summary, the available evidence is currently insufficient to determine the role of this variant in disease. Therefore, it has been classified as a Variant of Uncertain Significance. This sequence change replaces arginine, which is basic and polar, with cysteine, which is neutral and slightly polar, at codon 327 of the RAD50 protein (p.Arg327Cys). This variant is not present in population databases (gnomAD no frequency). This variant has not been reported in the literature in individuals affected with RAD50-related conditions. ClinVar contains an entry for this variant (Variation ID: 408351). Advanced modeling of protein sequence and biophysical properties (such as structural, functional, and spatial information, amino acid conservation, physicochemical variation, residue mobility, and thermodynamic stability) performed at Invitae indicates that this missense variant is expected to disrupt RAD50 protein function.

Ambry Genetics
Classification: Uncertain significance for Hereditary cancer-predisposing syndrome. Last evaluated: 2023-02-10. Review status: criteria provided, single submitter. Criteria: Ambry Variant Classification Scheme 2023. Collection method: clinical testing. Allele origin: germline.
Comment: The p.R327C variant (also known as c.979C>T), located in coding exon 7 of the RAD50 gene, results from a C to T substitution at nucleotide position 979. The arginine at codon 327 is replaced by cysteine, an amino acid with highly dissimilar properties. This amino acid position is well conserved in available vertebrate species. In addition, this alteration is predicted to be tolerated by in silico analysis. Since supporting evidence is limited at this time, the clinical significance of this alteration remains unclear.

Blueprint Genetics
Classification: Uncertain significance. Last evaluated: 2020-11-20. Review status: criteria provided, single submitter. Criteria: ACMG Guidelines, 2015. Collection method: clinical testing. Allele origin: germline.

PreventionGenetics, part of Exact Sciences
Classification: Uncertain significance for RAD50-related condition. Last evaluated: 2024-07-17. Review status: no assertion criteria provided. Collection method: clinical testing. Allele origin: germline. Not counted in ClinVar's aggregate classification.
Comment: The RAD50 c.979C>T variant is predicted to result in the amino acid substitution p.Arg327Cys. To our knowledge, this variant has not been reported in the literature or in a large population database, indicating this variant is rare. This variant is interpreted as a variant of uncertain significance in ClinVar. At this time, the clinical significance of this variant is uncertain due to the absence of conclusive functional and genetic evidence.

NM_005732.4(RAD50):c.979C>T (p.Arg327Cys)

Gene: RAD50 (RAD50 double strand break repair protein; plus strand). Cytogenetic location: 5q31.1.
Variant type: single nucleotide variant.
Coding change: c.979C>T on transcript NM_005732.4 (MANE Select); coding-DNA position 979, C replaced by T.
Protein change: p.Arg327Cys; replaces arginine 327 with cysteine.
Molecular consequence: missense variant.
Genome position (GRCh38, 1-based): chr5:132,588,017, C>T. VCF-style: chr5-132588017-C-T. GRCh37 (hg19) VCF-style: chr5-131923709-C-T.
Other names: short protein forms R327C.
Identifiers: ClinVar variation 408351 (VCV000408351.18), dbSNP rs1060501938, ClinGen allele CA16611948.